The following is an entry in ClinVar:

NM_000550.3(TYRP1):c.1451T>G (p.Val484Gly)

Genes: LURAP1L-AS1 (LURAP1L antisense RNA 1; minus strand), TYRP1 (tyrosinase related protein 1; plus strand). Cytogenetic location: 9p23.
Variant type: single nucleotide variant.
Coding change: c.1451T>G on transcript NM_000550.3 (MANE Select); coding-DNA position 1451, T replaced by G.
Protein change: p.Val484Gly; replaces valine 484 with glycine.
Molecular consequence: missense variant.
Genome position (GRCh38, 1-based): chr9:12,709,019, T>G. VCF-style: chr9-12709019-T-G. GRCh37 (hg19) VCF-style: chr9-12709019-T-G.
Other names: short protein forms V484G.
Identifiers: ClinVar variation 1962741 (VCV001962741.4), dbSNP rs760620002, ClinGen allele CA189271307.

ClinVar aggregate classification (germline): Uncertain significance (1 of 4 stars; one submission).

gnomAD v4.1: 81 of 1,612,826 alleles (0.005%); highest among the groups gnomAD compares: Non-Finnish European, 0.0068%; no homozygotes.

Submission:

Labcorp Genetics (formerly Invitae), Labcorp
Classification: Uncertain significance. Last evaluated: 2024-02-24. Review status: criteria provided, single submitter. Criteria: Invitae Variant Classification Sherloc (09022015). Collection method: clinical testing. Allele origin: germline.
Comment: This sequence change replaces valine, which is neutral and non-polar, with glycine, which is neutral and non-polar, at codon 484 of the TYRP1 protein (p.Val484Gly). This variant is not present in population databases (gnomAD no frequency). This variant has not been reported in the literature in individuals affected with TYRP1-related conditions. ClinVar contains an entry for this variant (Variation ID: 1962741). Advanced modeling of protein sequence and biophysical properties (such as structural, functional, and spatial information, amino acid conservation, physicochemical variation, residue mobility, and thermodynamic stability) performed at Invitae indicates that this missense variant is not expected to disrupt TYRP1 protein function with a negative predictive value of 80%. In summary, the available evidence is currently insufficient to determine the role of this variant in disease. Therefore, it has been classified as a Variant of Uncertain Significance.